The following is an entry in ClinVar:

ClinVar aggregate classification (germline): Uncertain significance (1 of 4 stars; one submission).

Conditions:
CHD3-related disorder. Also called: CHD3-related condition.

Submission:

PreventionGenetics, part of Exact Sciences
Classification: Uncertain significance for CHD3-related condition. Last evaluated: 2026-01-30. Review status: criteria provided, single submitter. Criteria: ACMG Guidelines, 2015. Collection method: clinical testing. Allele origin: germline.
Comment: The CHD3 c.2957A>G variant is predicted to result in the amino acid substitution p.Asn986Ser. To our knowledge, this variant has not been reported in the literature or in a large population database (gnomAD), indicating this variant is rare. At this time, the clinical significance of this variant is uncertain due to the absence of conclusive functional and genetic evidence.

NM_001005273.3(CHD3):c.2780A>G (p.Asn927Ser)

Gene: CHD3 (chromodomain helicase DNA binding protein 3; plus strand). Cytogenetic location: 17p13.1.
Variant type: single nucleotide variant.
Coding change: c.2780A>G on transcript NM_001005273.3 (MANE Select); coding-DNA position 2780, A replaced by G.
Protein change: p.Asn927Ser; replaces asparagine 927 with serine.
Molecular consequence: missense variant.
Genome position (GRCh38, 1-based): chr17:7,900,387, A>G. VCF-style: chr17-7900387-A-G. GRCh37 (hg19) VCF-style: chr17-7803705-A-G.
Other names: c.2957A>G, p.Asn986Ser (NM_001005271.3, NM_001437504.1); c.2945A>G, p.Asn982Ser (NM_001437507.1, NM_001437508.1, NM_001437509.1); c.2780A>G, p.Asn927Ser (NM_005852.4); short protein forms N927S, N982S, N986S.
Identifiers: ClinVar variation 4992821 (VCV004992821.1).